The following is an entry in ClinVar:

NM_130849.4(SLC39A4):c.1627+1G>T

Gene: SLC39A4 (solute carrier family 39 member 4; minus strand). Cytogenetic location: 8q24.3.
Variant type: single nucleotide variant.
Coding change: c.1627+1G>T on transcript NM_130849.4 (MANE Select); the canonical splice donor site of the intron after coding-DNA position 1627, G replaced by T.
Molecular consequence: splice donor variant.
Genome position (GRCh38, 1-based): chr8:144,413,236, C>A on the plus strand (G>T on the coding strand, the complement: SLC39A4 is on the minus strand). VCF-style: chr8-144413236-C-A. GRCh37 (hg19) VCF-style: chr8-145638620-C-A.
Other names: c.1345+1G>T (NM_001374839.1); c.1552+1G>T (NM_017767.3); c.133+1G>T (NM_001280557.2).
Identifiers: ClinVar variation 845017 (VCV000845017.7), dbSNP rs1821971485, ClinGen allele CA372618483.

ClinVar aggregate classification (germline): Likely pathogenic (1 of 4 stars; one submission).

Submission:

Labcorp Genetics (formerly Invitae), Labcorp
Classification: Likely pathogenic. Last evaluated: 2019-12-01. Review status: criteria provided, single submitter. Criteria: Invitae Variant Classification Sherloc (09022015). Collection method: clinical testing. Allele origin: germline.
Comment: In summary, the currently available evidence indicates that the variant is pathogenic, but additional data are needed to prove that conclusively. Therefore, this variant has been classified as Likely Pathogenic. This sequence change affects a donor splice site in intron 10 of the SLC39A4 gene. It is expected to disrupt RNA splicing and likely results in an absent or disrupted protein product. This variant is not present in population databases (ExAC no frequency). This variant has not been reported in the literature in individuals with SLC39A4-related conditions. Algorithms developed to predict the effect of sequence changes on RNA splicing suggest that this variant may disrupt the consensus splice site, but this prediction has not been confirmed by published transcriptional studies. Donor and acceptor splice site variants typically lead to a loss of protein function (PMID: 16199547), and loss-of-function variants in SLC39A4 are known to be pathogenic (PMID: 12955721).

Literature cited by the submitters: PubMed 16199547; PubMed 12955721.